The following is an entry in ClinVar:

NM_001042492.3(NF1):c.2978T>G (p.Leu993Ter)

Gene: NF1 (neurofibromin 1; plus strand). Cytogenetic location: 17q11.2.
Variant type: single nucleotide variant.
Coding change: c.2978T>G on transcript NM_001042492.3 (MANE Select); coding-DNA position 2978, T replaced by G.
Protein change: p.Leu993Ter; replaces leucine 993 with a stop codon.
Molecular consequence: nonsense.
Genome position (GRCh38, 1-based): chr17:31,229,962, T>G. VCF-style: chr17-31229962-T-G. GRCh37 (hg19) VCF-style: chr17-29556980-T-G.
Other names: c.2978T>G, p.Leu993Ter (NM_000267.4); short protein forms L993*.
Identifiers: ClinVar variation 493211 (VCV000493211.11), dbSNP rs1555614460, ClinGen allele CA398986416.

ClinVar aggregate classification (germline): Pathogenic/Likely pathogenic. Review status: criteria provided, multiple submitters, no conflicts (2 of 4 stars). 4 submissions from 4 submitters: Pathogenic (3); Likely pathogenic (1). Last evaluated 2023-11-20.

Conditions:
Hereditary cancer-predisposing syndrome. Also called: Tumor predisposition; Hereditary neoplastic syndrome; Neoplastic Syndromes, Hereditary; Hereditary Cancer Syndrome. Identifiers: Orphanet 140162, MedGen C0027672, MeSH D009386, MONDO:0015356.
Cardiovascular phenotype. Identifiers: MedGen CN230736.
Neurofibromatosis, type 1 (NF1). Also called: Peripheral type neurofibromatosis; VON RECKLINGHAUSEN DISEASE; Neurofibromatosis, type I; NEUROFIBROMATOSIS, TYPE I, SOMATIC. Identifiers: Orphanet 636, MedGen C0027831, MONDO:0018975, OMIM 162200. Disease mechanism: loss of function.

Submissions (4):

Ambry Genetics
Classification: Pathogenic for Cardiovascular phenotype; Hereditary cancer-predisposing syndrome. Last evaluated: 2023-11-20. Review status: criteria provided, single submitter. Criteria: Ambry Variant Classification Scheme 2023. Collection method: clinical testing. Allele origin: germline.
Comment: The p.L993* pathogenic mutation (also known as c.2978T>G), located in coding exon 22 of the NF1 gene, results from a T to G substitution at nucleotide position 2978. This changes the amino acid from a leucine to a stop codon within coding exon 22. This variant is considered to be rare based on population cohorts in the Genome Aggregation Database (gnomAD). In addition to the clinical data presented in the literature, this alteration is expected to result in loss of function by premature protein truncation or nonsense-mediated mRNA decay. As such, this alteration is interpreted as a disease-causing mutation.

Labcorp Genetics (formerly Invitae), Labcorp
Classification: Pathogenic for Neurofibromatosis, type 1. Last evaluated: 2023-02-18. Review status: criteria provided, single submitter. Criteria: Invitae Variant Classification Sherloc (09022015). Collection method: clinical testing. Allele origin: germline.
Comment: This premature translational stop signal has been observed in individual(s) with NF1-related conditions (PMID: 31776437). This variant is not present in population databases (gnomAD no frequency). This sequence change creates a premature translational stop signal (p.Leu993*) in the NF1 gene. It is expected to result in an absent or disrupted protein product. Loss-of-function variants in NF1 are known to be pathogenic (PMID: 10712197, 23913538). ClinVar contains an entry for this variant (Variation ID: 493211). For these reasons, this variant has been classified as Pathogenic.

Genome-Nilou Lab
Classification: Pathogenic for Neurofibromatosis, type 1. Last evaluated: 2022-03-15. Review status: criteria provided, single submitter. Criteria: ACMG Guidelines, 2015. Collection method: clinical testing. Allele origin: germline. Affected: no.

CeGaT Center for Human Genetics Tuebingen
Classification: Likely pathogenic. Last evaluated: 2017-10-31. Review status: criteria provided, single submitter. Criteria: Praxis fuer Humangenetik Tuebingen - Variant Classification Criteria. Collection method: clinical testing. Allele origin: germline. Affected: yes. Observed: 1 variant allele.

Literature cited by the submitters: PubMed 31776437 (cited by Labcorp Genetics (formerly Invitae), Labcorp); PubMed 10712197 (cited by Labcorp Genetics (formerly Invitae), Labcorp); PubMed 23913538 (cited by Labcorp Genetics (formerly Invitae), Labcorp).